The following is an entry in ClinVar:

ClinVar aggregate classification (germline): Uncertain significance (1 of 4 stars; one submission).

Allele frequency attached by ClinVar (database versions not stated): gnomAD 0.00001; TOPMed 0.00002; gnomAD exomes 0.00003 and 0.00005; ExAC 0.00006; ESP Exome Variant Server 0.00008.
gnomAD v4.1: 49 of 1,613,720 alleles (0.003%); highest among the groups gnomAD compares: East Asian, 0.0067%; no homozygotes.

Submission:

Labcorp Genetics (formerly Invitae), Labcorp
Classification: Uncertain significance. Last evaluated: 2025-09-02. Review status: criteria provided, single submitter. Criteria: Invitae Variant Classification Sherloc (09022015). Collection method: clinical testing. Allele origin: germline.
Comment: This sequence change replaces arginine, which is basic and polar, with histidine, which is basic and polar, at codon 49 of the AHR protein (p.Arg49His). This variant is present in population databases (rs374827293, gnomAD 0.02%). This variant has not been reported in the literature in individuals affected with AHR-related conditions. ClinVar contains an entry for this variant (Variation ID: 1488892). An algorithm developed to predict the effect of missense changes on protein structure and function (PolyPhen-2) suggests that this variant is likely to be tolerated. In summary, the available evidence is currently insufficient to determine the role of this variant in disease. Therefore, it has been classified as a Variant of Uncertain Significance.

NM_001621.5(AHR):c.146G>A (p.Arg49His)

Gene: AHR (aryl hydrocarbon receptor; plus strand). Cytogenetic location: 7p21.1.
Variant type: single nucleotide variant.
Coding change: c.146G>A on transcript NM_001621.5 (MANE Select); coding-DNA position 146, G replaced by A.
Protein change: p.Arg49His; replaces arginine 49 with histidine.
Molecular consequence: missense variant.
Genome position (GRCh38, 1-based): chr7:17,310,016, G>A. VCF-style: chr7-17310016-G-A. GRCh37 (hg19) VCF-style: chr7-17349640-G-A.
Other names: short protein forms R49H.
Identifiers: ClinVar variation 1488892 (VCV001488892.6), dbSNP rs374827293, ClinGen allele CA4171733.